The following is an entry in ClinVar:

ClinVar aggregate classification (germline): Uncertain significance (1 of 4 stars; one submission).

Conditions:
PLXNA1-related disorder. Also called: PLXNA1-related condition.

gnomAD v4.1: 18 of 1,613,278 alleles (0.0011%); highest among the groups gnomAD compares: South Asian, 0.014%; no homozygotes.

Submission:

PreventionGenetics, part of Exact Sciences
Classification: Uncertain significance for PLXNA1-related condition. Last evaluated: 2024-11-10. Review status: criteria provided, single submitter. Criteria: ACMG Guidelines, 2015. Collection method: clinical testing. Allele origin: germline.
Comment: The PLXNA1 c.277G>A variant is predicted to result in the amino acid substitution p.Glu93Lys. To our knowledge, this variant has not been reported in the literature. This variant is reported in 0.011% of alleles in individuals of East Asian descent in gnomAD. At this time, the clinical significance of this variant is uncertain due to the absence of conclusive functional and genetic evidence.

NM_032242.4(PLXNA1):c.277G>A (p.Glu93Lys)

Gene: PLXNA1 (plexin A1; plus strand). Cytogenetic location: 3q21.3.
Variant type: single nucleotide variant.
Coding change: c.277G>A on transcript NM_032242.4 (MANE Select); coding-DNA position 277, G replaced by A.
Protein change: p.Glu93Lys; replaces glutamic acid 93 with lysine.
Molecular consequence: missense variant.
Genome position (GRCh38, 1-based): chr3:126,988,870, G>A. VCF-style: chr3-126988870-G-A. GRCh37 (hg19) VCF-style: chr3-126707713-G-A.
Other names: short protein forms E93K.
Identifiers: ClinVar variation 4986100 (VCV004986100.1).